The following is an entry in ClinVar:

NM_020066.5(FMN2):c.3336T>A (p.Pro1112=)

Gene: FMN2 (formin 2; plus strand). Cytogenetic location: 1q43.
Variant type: single nucleotide variant.
Coding change: c.3336T>A on transcript NM_020066.5 (MANE Select); coding-DNA position 3336, T replaced by A.
Protein change: p.Pro1112=; no amino-acid change (proline 1112 retained).
Molecular consequence: synonymous variant. On other transcripts: intron variant (1).
Genome position (GRCh38, 1-based): chr1:240,208,148, T>A. VCF-style: chr1-240208148-T-A. GRCh37 (hg19) VCF-style: chr1-240371448-T-A.
Other names: c.3348T>A, p.Pro1116= (NM_001305424.2); c.1986+19886T>A (NM_001348094.2).
Identifiers: ClinVar variation 3778085 (VCV003778085.7).

ClinVar aggregate classification (germline): Likely benign (1 of 4 stars; one submission).

Submission:

CeGaT Center for Human Genetics Tuebingen
Classification: Likely benign. Last evaluated: 2026-03-01. Review status: criteria provided, single submitter. Criteria: CeGaT Center For Human Genetics Tuebingen Variant Classification Criteria Version 2. Collection method: clinical testing. Allele origin: germline. Affected: yes. Observed: 2 variant alleles.
Comment: FMN2: BP4, BP7